The following is an entry in ClinVar:

ClinVar aggregate classification (germline): Uncertain significance (1 of 4 stars; one submission).

Conditions:
Distal hereditary motor neuropathy type 2. Identifiers: Orphanet 139525, MedGen C3711384, MeSH C580044, MONDO:0015352.

Submission:

Labcorp Genetics (formerly Invitae), Labcorp
Classification: Uncertain significance for Distal hereditary motor neuropathy type 2. Last evaluated: 2022-07-26. Review status: criteria provided, single submitter. Criteria: Invitae Variant Classification Sherloc (09022015). Collection method: clinical testing. Allele origin: germline.
Comment: This sequence change replaces valine, which is neutral and non-polar, with methionine, which is neutral and non-polar, at codon 8 of the FBXO38 protein (p.Val8Met). This variant is not present in population databases (gnomAD no frequency). This variant has not been reported in the literature in individuals affected with FBXO38-related conditions. Algorithms developed to predict the effect of missense changes on protein structure and function are either unavailable or do not agree on the potential impact of this missense change (SIFT: "Deleterious"; PolyPhen-2: "Possibly Damaging"; Align-GVGD: "Class C0"). In summary, the available evidence is currently insufficient to determine the role of this variant in disease. Therefore, it has been classified as a Variant of Uncertain Significance.

NM_205836.3(FBXO38):c.22G>A (p.Val8Met)

Gene: FBXO38 (F-box protein 38; plus strand). Cytogenetic location: 5q32.
Variant type: single nucleotide variant.
Coding change: c.22G>A on transcript NM_205836.3 (MANE Select); coding-DNA position 22, G replaced by A.
Protein change: p.Val8Met; replaces valine 8 with methionine.
Molecular consequence: missense variant.
Genome position (GRCh38, 1-based): chr5:148,394,798, G>A. VCF-style: chr5-148394798-G-A. GRCh37 (hg19) VCF-style: chr5-147774361-G-A.
Other names: c.22G>A, p.Val8Met (NM_001271723.2, NM_030793.5); short protein forms V8M.
Identifiers: ClinVar variation 2039101 (VCV002039101.4), dbSNP rs2531681833, ClinGen allele CA361653488.